The following is an entry in ClinVar:

ClinVar aggregate classification (germline): Pathogenic. Review status: criteria provided, single submitter (1 of 4 stars). 2 submissions from 2 submitters: Pathogenic (1). 1 of the submissions does not count toward it. Last evaluated 2023-04-11.

Conditions:
Autosomal recessive inherited pseudoxanthoma elasticum (PXE). Identifiers: Orphanet 758, MedGen CN032334, MONDO:0009925, OMIM 264800.

Allele frequency attached by ClinVar (database versions not stated): ExAC 0.00003.
gnomAD v4.1: 13 of 1,613,534 alleles (0.00081%); highest among the groups gnomAD compares: South Asian, 0.0022%; no homozygotes.

Submissions (2):

Labcorp Genetics (formerly Invitae), Labcorp
Classification: Pathogenic. Last evaluated: 2023-04-11. Review status: criteria provided, single submitter. Criteria: Invitae Variant Classification Sherloc (09022015). Collection method: clinical testing. Allele origin: germline.
Comment: For these reasons, this variant has been classified as Pathogenic. This variant disrupts the p.Arg765 amino acid residue in ABCC6. Other variant(s) that disrupt this residue have been determined to be pathogenic (PMID: 12673275, 30805891; Invitae). This suggests that this residue is clinically significant, and that variants that disrupt this residue are likely to be disease-causing. Advanced modeling of protein sequence and biophysical properties (such as structural, functional, and spatial information, amino acid conservation, physicochemical variation, residue mobility, and thermodynamic stability) performed at Invitae indicates that this missense variant is expected to disrupt ABCC6 protein function. ClinVar contains an entry for this variant (Variation ID: 433432). This missense change has been observed in individuals with ABCC6-related conditions (PMID: 18157818; Invitae). This variant is present in population databases (rs776513864, gnomAD 0.004%). This sequence change replaces arginine, which is basic and polar, with tryptophan, which is neutral and slightly polar, at codon 765 of the ABCC6 protein (p.Arg765Trp).

PXE International
Classification: Pathogenic for Autosomal recessive inherited pseudoxanthoma elasticum. Last evaluated: 2021-03-01. Review status: no assertion criteria provided. Collection method: research. Allele origin: germline. Inheritance: Autosomal recessive inheritance. Affected: yes. Observed: 1 variant allele. Not counted in ClinVar's aggregate classification.

Literature cited by the submitters: PubMed 12673275 (cited by Labcorp Genetics (formerly Invitae), Labcorp); PubMed 30805891 (cited by Labcorp Genetics (formerly Invitae), Labcorp); PubMed 18157818 (cited by Labcorp Genetics (formerly Invitae), Labcorp); PubMed 32873932 (cited by PXE International).

NM_001171.6(ABCC6):c.2293C>T (p.Arg765Trp)

Gene: ABCC6 (ATP binding cassette subfamily C member 6; minus strand). Cytogenetic location: 16p13.11.
Variant type: single nucleotide variant.
Coding change: c.2293C>T on transcript NM_001171.6 (MANE Select); coding-DNA position 2293, C replaced by T.
Protein change: p.Arg765Trp; replaces arginine 765 with tryptophan.
Molecular consequence: missense variant. On other transcripts: non-coding transcript variant (1).
Genome position (GRCh38, 1-based): chr16:16,178,920, G>A on the plus strand (C>T on the coding strand, the complement: ABCC6 is on the minus strand). VCF-style: chr16-16178920-G-A. GRCh37 (hg19) VCF-style: chr16-16272777-G-A.
Other names: c.1951C>T, p.Arg651Trp (NM_001351800.1); short protein forms R765W, R651W.
Identifiers: ClinVar variation 433432 (VCV000433432.8), dbSNP rs776513864, ClinGen allele CA7925962.